The following is an entry in ClinVar:

ClinVar aggregate classification (germline): Uncertain significance (1 of 4 stars; one submission).

gnomAD v4.1: 1 of 1,556,490 alleles (0.000064%); highest among the groups gnomAD compares: African/African-American, 0.0014%; no homozygotes.

Submission:

GeneDx
Classification: Uncertain significance. Last evaluated: 2026-03-19. Review status: criteria provided, single submitter. Criteria: GeneDx Variant Classification Process June 2021. Collection method: clinical testing. Allele origin: germline.
Comment: Not observed at significant frequency in large population cohorts (gnomAD); In silico analysis supports that this missense variant has a deleterious effect on protein structure/function; Has not been previously published as pathogenic or benign to our knowledge

NM_001287491.2(TET3):c.2809G>A (p.Asp937Asn)

Gene: TET3 (tet methylcytosine dioxygenase 3; plus strand). Cytogenetic location: 2p13.1.
Variant type: single nucleotide variant.
Coding change: c.2809G>A on transcript NM_001287491.2 (MANE Select); coding-DNA position 2809, G replaced by A.
Protein change: p.Asp937Asn; replaces aspartic acid 937 with asparagine.
Molecular consequence: missense variant.
Genome position (GRCh38, 1-based): chr2:74,087,959, G>A. VCF-style: chr2-74087959-G-A. GRCh37 (hg19) VCF-style: chr2-74315086-G-A.
Other names: c.2530G>A, p.Asp844Asn (NM_001366022.1); short protein forms D844N, D937N.
Identifiers: ClinVar variation 5009323 (VCV005009323.1).